The following is an entry in ClinVar:

NM_004656.4(BAP1):c.877C>T (p.Pro293Ser)

Gene: BAP1 (BRCA1 associated deubiquitinase 1; minus strand). Cytogenetic location: 3p21.1.
Variant type: single nucleotide variant.
Coding change: c.877C>T on transcript NM_004656.4 (MANE Select); coding-DNA position 877, C replaced by T.
Protein change: p.Pro293Ser; replaces proline 293 with serine.
Molecular consequence: missense variant.
Genome position (GRCh38, 1-based): chr3:52,405,819, G>A on the plus strand (C>T on the coding strand, the complement: BAP1 is on the minus strand). VCF-style: chr3-52405819-G-A. GRCh37 (hg19) VCF-style: chr3-52439835-G-A.
Other names: short protein forms P293S.
Identifiers: ClinVar variation 1318693 (VCV001318693.9), dbSNP rs2153227235, ClinGen allele CA353106671.

ClinVar aggregate classification (germline): Uncertain significance. Review status: criteria provided, multiple submitters, no conflicts (2 of 4 stars). 2 submissions from 2 submitters: Uncertain significance (2). Last evaluated 2024-02-20.

Conditions:
BAP1-related tumor predisposition syndrome (TPDS1). Also called: Tumor susceptibility linked to germline BAP1 mutations; COMMON Syndrome; TUMOR PREDISPOSITION SYNDROME 1; BAP1 tumor predisposition syndrome. Identifiers: Orphanet 289539, MedGen C3280492, MONDO:0013692, OMIM 614327.

Submissions (2):

Labcorp Genetics (formerly Invitae), Labcorp
Classification: Uncertain significance for BAP1-related tumor predisposition syndrome. Last evaluated: 2024-02-20. Review status: criteria provided, single submitter. Criteria: Invitae Variant Classification Sherloc (09022015). Collection method: clinical testing. Allele origin: germline.
Comment: This sequence change replaces proline, which is neutral and non-polar, with serine, which is neutral and polar, at codon 293 of the BAP1 protein (p.Pro293Ser). This variant is not present in population databases (gnomAD no frequency). This variant has not been reported in the literature in individuals affected with BAP1-related conditions. ClinVar contains an entry for this variant (Variation ID: 1318693). Algorithms developed to predict the effect of missense changes on protein structure and function output the following: SIFT: "Not Available"; PolyPhen-2: "Benign"; Align-GVGD: "Not Available". The serine amino acid residue is found in multiple mammalian species, which suggests that this missense change does not adversely affect protein function. In summary, the available evidence is currently insufficient to determine the role of this variant in disease. Therefore, it has been classified as a Variant of Uncertain Significance.

GeneDx
Classification: Uncertain significance. Last evaluated: 2019-12-09. Review status: criteria provided, single submitter. Criteria: GeneDx Variant Classification Process June 2021. Collection method: clinical testing. Allele origin: germline. Affected: yes.
Comment: Not observed in large population cohorts (Lek 2016); In silico analysis, which includes protein predictors and evolutionary conservation, supports that this variant does not alter protein structure/function; Has not been previously published as pathogenic or benign to our knowledge